The following is an entry in ClinVar:

NM_015330.6(SPECC1L):c.535G>T (p.Ala179Ser)

Genes: SPECC1L (sperm antigen with calponin homology and coiled-coil domains 1 like; plus strand), SPECC1L-ADORA2A (SPECC1L-ADORA2A readthrough (NMD candidate); plus strand). Cytogenetic location: 22q11.23.
Variant type: single nucleotide variant.
Coding change: c.535G>T on transcript NM_015330.6 (MANE Select); coding-DNA position 535, G replaced by T.
Protein change: p.Ala179Ser; replaces alanine 179 with serine.
Molecular consequence: missense variant. On other transcripts: non-coding transcript variant (1).
Genome position (GRCh38, 1-based): chr22:24,321,515, G>T. VCF-style: chr22-24321515-G-T. GRCh37 (hg19) VCF-style: chr22-24717483-G-T.
Other names: c.535G>T, p.Ala179Ser (NM_001145468.4, NM_001254732.3); short protein forms A179S.
Identifiers: ClinVar variation 4999760 (VCV004999760.1).

ClinVar aggregate classification (germline): Uncertain significance (1 of 4 stars; one submission).

Conditions:
SPECC1L-related disorder. Also called: SPECC1L-related condition.

Submission:

PreventionGenetics, part of Exact Sciences
Classification: Uncertain significance for SPECC1L-related condition. Last evaluated: 2024-12-12. Review status: criteria provided, single submitter. Criteria: ACMG Guidelines, 2015. Collection method: clinical testing. Allele origin: germline.
Comment: The SPECC1L c.535G>T variant is predicted to result in the amino acid substitution p.Ala179Ser. To our knowledge, this variant has not been reported in the literature or in a large population database (gnomAD), indicating this variant is rare. At this time, the clinical significance of this variant is uncertain due to the absence of conclusive functional and genetic evidence.